The following is an entry in ClinVar:

NM_000283.4(PDE6B):c.196A>G (p.Met66Val)

Gene: PDE6B (phosphodiesterase 6B; plus strand). Cytogenetic location: 4p16.3.
Variant type: single nucleotide variant.
Coding change: c.196A>G on transcript NM_000283.4 (MANE Select); coding-DNA position 196, A replaced by G.
Protein change: p.Met66Val; replaces methionine 66 with valine.
Molecular consequence: missense variant.
Genome position (GRCh38, 1-based): chr4:625,822, A>G. VCF-style: chr4-625822-A-G. GRCh37 (hg19) VCF-style: chr4-619611-A-G.
Other names: c.196A>G, p.Met66Val (NM_001145291.2); c.196A>G (NM_000283.3); short protein forms M66V.
Identifiers: ClinVar variation 1382961 (VCV001382961.9), dbSNP rs964274841, ClinGen allele CA91052008.

ClinVar aggregate classification (germline): Uncertain significance. Review status: criteria provided, multiple submitters, no conflicts (2 of 4 stars). 2 submissions from 2 submitters: Uncertain significance (2). Last evaluated 2026-08-18.

Conditions:
PDE6B-related disorder. Also called: PDE6B-related disorders; PDE6B-related disease; PDE6B-related condition.

Allele frequency attached by ClinVar (database versions not stated): gnomAD exomes 0.00001; TOPMed 0.00003; gnomAD 0.00005.
gnomAD v4.1: 17 of 1,613,002 alleles (0.0011%); highest among the groups gnomAD compares: African/African-American, 0.021%; no homozygotes.

Submissions (2):

PreventionGenetics, part of Exact Sciences
Classification: Uncertain significance for PDE6B-related condition. Last evaluated: 2026-08-18. Review status: criteria provided, single submitter. Criteria: ACMG Guidelines, 2015. Collection method: clinical testing. Allele origin: germline.
Comment: The PDE6B c.196A>G variant is predicted to result in the amino acid substitution p.Met66Val. To our knowledge, this variant has not been reported in the literature. This variant is reported in 0.028% of alleles in individuals of African descent in gnomAD. At this time, the clinical significance of this variant is uncertain due to the absence of conclusive functional and genetic evidence.

Labcorp Genetics (formerly Invitae), Labcorp
Classification: Uncertain significance. Last evaluated: 2024-11-05. Review status: criteria provided, single submitter. Criteria: Invitae Variant Classification Sherloc (09022015). Collection method: clinical testing. Allele origin: germline.
Comment: This sequence change replaces methionine, which is neutral and non-polar, with valine, which is neutral and non-polar, at codon 66 of the PDE6B protein (p.Met66Val). This variant is present in population databases (no rsID available, gnomAD 0.03%). This variant has not been reported in the literature in individuals affected with PDE6B-related conditions. ClinVar contains an entry for this variant (Variation ID: 1382961). Invitae Evidence Modeling of protein sequence and biophysical properties (such as structural, functional, and spatial information, amino acid conservation, physicochemical variation, residue mobility, and thermodynamic stability) indicates that this missense variant is not expected to disrupt PDE6B protein function with a negative predictive value of 95%. In summary, the available evidence is currently insufficient to determine the role of this variant in disease. Therefore, it has been classified as a Variant of Uncertain Significance.